The following is an entry in ClinVar:

ClinVar aggregate classification (germline): Likely benign (1 of 4 stars; one submission).

Conditions:
MAST1-related disorder. Also called: MAST1-related condition.

gnomAD v4.1: 56 of 1,563,790 alleles (0.0036%); highest among the groups gnomAD compares: East Asian, 0.13%; no homozygotes.

Submission:

PreventionGenetics, part of Exact Sciences
Classification: Likely benign for MAST1-related condition. Last evaluated: 2024-10-07. Review status: criteria provided, single submitter. Criteria: ACMG Guidelines, 2015. Collection method: clinical testing. Allele origin: germline.
Comment: This variant is classified as likely benign based on ACMG/AMP sequence variant interpretation guidelines (Richards et al. 2015 PMID: 25741868, with internal and published modifications).

NM_014975.3(MAST1):c.4091G>A (p.Gly1364Glu)

Gene: MAST1 (microtubule associated serine/threonine kinase 1; plus strand). Cytogenetic location: 19p13.13.
Variant type: single nucleotide variant.
Coding change: c.4091G>A on transcript NM_014975.3 (MANE Select); coding-DNA position 4091, G replaced by A.
Protein change: p.Gly1364Glu; replaces glycine 1364 with glutamic acid.
Molecular consequence: missense variant.
Genome position (GRCh38, 1-based): chr19:12,874,248, G>A. VCF-style: chr19-12874248-G-A. GRCh37 (hg19) VCF-style: chr19-12985062-G-A.
Other names: short protein forms G1364E.
Identifiers: ClinVar variation 4977296 (VCV004977296.1).
Genomic context (GRCh38, chr19:12,874,248, plus strand): 5'-CGTTGCTGCCCGAGGGTGCCTCCAGGCCACCAGTGTCGAGCAAGGAGAAGGAATCCCCGG[G>A]GGGCGCCGAGGCGTGCACCCCACCCCGCGCGACGACCCCCGGTGGCCGGACCCTGGAGCG-3'
Protein context (NP_055790.1, residues 1354-1374): PVSSKEKESP[Gly1364Glu]GAEACTPPRA